The following is an entry in ClinVar:

NM_003573.2(LTBP4):c.312_324dup (p.Ala109fs)

Gene: LTBP4 (latent transforming growth factor beta binding protein 4; plus strand). Cytogenetic location: 19q13.2.
Variant type: Duplication.
Coding change: c.312_324dup on transcript NM_003573.2; coding-DNA positions 312 to 324, 13 bases duplicated (ACAGCGTGCCCCC).
Protein change: p.Ala109fs; shifts the reading frame from alanine 109.
Molecular consequence: frameshift variant.
Genome position (GRCh38, 1-based): chr19:40,600,149-40,600,161, ACAGCGTGCCCCC duplicated; duplicating any 13 consecutive bases within chr19:40,600,143-40,600,161 gives the same sequence; the c. name uses the placement nearest the transcript's 3' end. VCF-style (leftmost placement, unchanged base first): chr19-40600142-G-GGCCCCCACAGCGT. GRCh37 (hg19) VCF-style: chr19-41106048-G-GGCCCCCACAGCGT.
Other names: c.423_435dup, p.Ala146fs (NM_001042544.1); short protein forms A109fs, A146fs.
Identifiers: ClinVar variation 3683759 (VCV003683759.2).

ClinVar aggregate classification (germline): Pathogenic (1 of 4 stars; one submission).

Submission:

Labcorp Genetics (formerly Invitae), Labcorp
Classification: Pathogenic. Last evaluated: 2024-12-24. Review status: criteria provided, single submitter. Criteria: Invitae Variant Classification Sherloc (09022015). Collection method: clinical testing. Allele origin: germline.
Comment: This sequence change creates a premature translational stop signal (p.Ala109Thrfs*26) in the LTBP4 gene. It is expected to result in an absent or disrupted protein product. Loss-of-function variants in LTBP4 are known to be pathogenic (PMID: 19836010, 22829427). This variant is not present in population databases (gnomAD no frequency). This variant has not been reported in the literature in individuals affected with LTBP4-related conditions. For these reasons, this variant has been classified as Pathogenic.

Literature cited by the submitters: PubMed 19836010; PubMed 22829427.